The following is an entry in ClinVar:

ClinVar aggregate classification (germline): Likely benign. Review status: criteria provided, single submitter (1 of 4 stars). 2 submissions from 2 submitters: Likely benign (1). 1 of the submissions does not count toward it. Last evaluated 2025-07-01.

Conditions:
SH2B1-related disorder. Also called: SH2B1-related condition.

Allele frequency attached by ClinVar (database versions not stated): gnomAD exomes 0.00002; ExAC 0.00003; TOPMed 0.00003; gnomAD 0.00005.
gnomAD v4.1: 36 of 1,610,746 alleles (0.0022%); highest among the groups gnomAD compares: African/African-American, 0.0053%; no homozygotes.

Submissions (2):

CeGaT Center for Human Genetics Tuebingen
Classification: Likely benign. Last evaluated: 2025-07-01. Review status: criteria provided, single submitter. Criteria: CeGaT Center For Human Genetics Tuebingen Variant Classification Criteria Version 2. Collection method: clinical testing. Allele origin: germline. Affected: yes. Observed: 1 variant allele.
Comment: SH2B1: BP4, BP7

PreventionGenetics, part of Exact Sciences
Classification: Likely benign for SH2B1-related condition. Last evaluated: 2019-03-28. Review status: no assertion criteria provided. Collection method: clinical testing. Allele origin: germline. Not counted in ClinVar's aggregate classification.
Comment: This variant is classified as likely benign based on ACMG/AMP sequence variant interpretation guidelines (Richards et al. 2015 PMID: 25741868, with internal and published modifications).

NM_001387430.1(SH2B1):c.1692C>T (p.Tyr564=)

Gene: SH2B1 (SH2B adaptor protein 1; plus strand). Cytogenetic location: 16p11.2.
Variant type: single nucleotide variant.
Coding change: c.1692C>T on transcript NM_001387430.1 (MANE Select); coding-DNA position 1692, C replaced by T.
Protein change: p.Tyr564=; no amino-acid change (tyrosine 564 retained).
Molecular consequence: synonymous variant.
Genome position (GRCh38, 1-based): chr16:28,872,368, C>T. VCF-style: chr16-28872368-C-T. GRCh37 (hg19) VCF-style: chr16-28883689-C-T.
Other names: c.1692C>T, p.Tyr564= (NM_001145795.2, NM_001145796.2, NM_001145797.2 and 4 more transcripts); c.684C>T, p.Tyr228= (NM_001308294.2).
Identifiers: ClinVar variation 3046560 (VCV003046560.10), dbSNP rs199667556, ClinGen allele CA7986271.